The following is an entry in ClinVar:

ClinVar aggregate classification (germline): Pathogenic. Review status: criteria provided, multiple submitters, no conflicts (2 of 4 stars). 2 submissions from 2 submitters: Pathogenic (2). Last evaluated 2025-11-22.

Conditions:
Brittle cornea syndrome 1 (BCS1). Also called: DYSGENESIS MESODERMALIS CORNEAE ET SCLERAE; CORNEAL FRAGILITY, KERATOGLOBUS, BLUE SCLERAE, JOINT HYPEREXTENSIBILITY; EDS6B; FRAGILITAS OCULI WITH JOINT HYPEREXTENSIBILITY; Corneal fragility keratoglobus, blue sclerae AND joint hypermobility. Identifiers: Orphanet 90354, MedGen C0268344, MONDO:0024543, OMIM 229200.

Allele frequency attached by ClinVar (database versions not stated): gnomAD exomes below 0.00001; TOPMed below 0.00001.

Submissions (2):

Labcorp Genetics (formerly Invitae), Labcorp
Classification: Pathogenic. Last evaluated: 2025-11-22. Review status: criteria provided, single submitter. Criteria: Invitae Variant Classification Sherloc (09022015). Collection method: clinical testing. Allele origin: germline.
Comment: This sequence change creates a premature translational stop signal (p.His1860Glnfs*24) in the ZNF469 gene. While this is not anticipated to result in nonsense mediated decay, it is expected to disrupt the last 2066 amino acid(s) of the ZNF469 protein. This variant is not present in population databases (gnomAD no frequency). This variant has not been reported in the literature in individuals affected with ZNF469-related conditions. ClinVar contains an entry for this variant (Variation ID: 1364049). This variant disrupts a region of the ZNF469 protein in which other variant(s) (p.Gln2404*) have been determined to be pathogenic (internal data). This suggests that this is a clinically significant region of the protein, and that variants that disrupt it are likely to be disease-causing. For these reasons, this variant has been classified as Pathogenic.

Women's Health and Genetics/Laboratory Corporation of America, LabCorp
Classification: Pathogenic for Brittle cornea syndrome 1. Last evaluated: 2025-04-28. Review status: criteria provided, single submitter. Criteria: LabCorp Variant Classification Summary - May 2015. Collection method: clinical testing. Allele origin: germline.
Comment: Variant summary: ZNF469 c.5661_5668delCCACCCTA (p.His1888GlnfsX24) results in a premature termination codon, predicted to cause a truncation, removing a large part of the 3953 amino acids long protein. Truncations downstream of this position have been reported in several individuals affected with brittle cornea syndrome in the literature (HGMD) and have been classified as pathogenic by our laboratory and others in ClinVar. The variant allele was found at a frequency of 1.3e-06 in 1543418 control chromosomes (gnomAD). To our knowledge, no occurrence of c.5661_5668delCCACCCTA in individuals affected with Brittle cornea syndrome 1 and no experimental evidence demonstrating its impact on protein function have been reported. ClinVar contains an entry for this variant (Variation ID: 1364049). Based on the evidence outlined above, the variant was classified as pathogenic.

NM_001367624.2(ZNF469):c.5661_5668del (p.His1888fs)

Gene: ZNF469 (zinc finger protein 469; plus strand). Cytogenetic location: 16q24.2.
Variant type: Deletion.
Coding change: c.5661_5668del on transcript NM_001367624.2 (MANE Select); coding-DNA positions 5661 to 5668, 8 bases deleted (CCACCCTA; older notation c.5661_5668delCCACCCTA).
Protein change: p.His1888fs; shifts the reading frame from histidine 1888.
Molecular consequence: frameshift variant.
Genome position (GRCh38, 1-based): chr16:88,433,131-88,433,138, CCACCCTA deleted. VCF-style (leftmost placement, unchanged base first): chr16-88433130-CCCACCCTA-C. GRCh37 (hg19) VCF-style: chr16-88499538-CCCACCCTA-C.
Other names: c.5661_5668delCCACCCTA (NM_001367624.2); short protein forms H1888fs.
Identifiers: ClinVar variation 1364049 (VCV001364049.7), dbSNP rs1232391570, ClinGen allele CA725574021.